The following is an entry in ClinVar:

NM_025137.4(SPG11):c.1649A>G (p.Lys550Arg)

Gene: SPG11 (SPG11 vesicle trafficking associated, spatacsin; minus strand). Cytogenetic location: 15q21.1.
Variant type: single nucleotide variant.
Coding change: c.1649A>G on transcript NM_025137.4 (MANE Select); coding-DNA position 1649, A replaced by G.
Protein change: p.Lys550Arg; replaces lysine 550 with arginine.
Molecular consequence: missense variant.
Genome position (GRCh38, 1-based): chr15:44,633,591, T>C on the plus strand (A>G on the coding strand, the complement: SPG11 is on the minus strand). VCF-style: chr15-44633591-T-C. GRCh37 (hg19) VCF-style: chr15-44925789-T-C.
Other names: c.1649A>G, p.Lys550Arg (NM_001160227.2); short protein forms K550R.
Identifiers: ClinVar variation 1344077 (VCV001344077.5), dbSNP rs529146881, ClinGen allele CA7535482.

ClinVar aggregate classification (germline): Uncertain significance. Review status: criteria provided, multiple submitters, no conflicts (2 of 4 stars). 2 submissions from 2 submitters: Uncertain significance (2). Last evaluated 2022-05-12.

Conditions:
Hereditary spastic paraplegia. Also called: Familial spastic paraparesis. Identifiers: Orphanet 685, MedGen C0037773, MONDO:0019064. Disease mechanism: loss of function.
Hereditary spastic paraplegia 11. Also called: Spastic Paraplegia 11; Nakamura Osame syndrome; Autosomal recessive hereditary spastic paraplegia, mental impairment, and thin corpus callosum; SPASTIC PARAPLEGIA, AUTOSOMAL RECESSIVE, COMPLICATED, WITH THIN CORPUS CALLOSUM; SPASTIC PARAPLEGIA, AUTOSOMAL RECESSIVE, WITH MENTAL IMPAIRMENT AND THIN CORPUS CALLOSUM; Spastic paraplegia, mental retardation and thin corpus callosum. Identifiers: Orphanet 2822, MedGen C1858479, MONDO:0011445, OMIM 604360.

Allele frequency attached by ClinVar (database versions not stated): ExAC 0.00001; gnomAD 0.00001; gnomAD exomes 0.00001; 1000 Genomes Project 30x 0.00016; 1000 Genomes Project 0.00020.
gnomAD v4.1: 16 of 1,613,548 alleles (0.00099%); highest among the groups gnomAD compares: Non-Finnish European, 0.0014%; no homozygotes.

Submissions (2):

Labcorp Genetics (formerly Invitae), Labcorp
Classification: Uncertain significance for Hereditary spastic paraplegia 11. Last evaluated: 2022-05-12. Review status: criteria provided, single submitter. Criteria: Invitae Variant Classification Sherloc (09022015). Collection method: clinical testing. Allele origin: germline.
Comment: This sequence change replaces lysine, which is basic and polar, with arginine, which is basic and polar, at codon 550 of the SPG11 protein (p.Lys550Arg). This variant is present in population databases (rs529146881, gnomAD 0.002%). This variant has not been reported in the literature in individuals affected with SPG11-related conditions. Algorithms developed to predict the effect of missense changes on protein structure and function are either unavailable or do not agree on the potential impact of this missense change (SIFT: "Deleterious"; PolyPhen-2: "Probably Damaging"; Align-GVGD: "Class C0"). In summary, the available evidence is currently insufficient to determine the role of this variant in disease. Therefore, it has been classified as a Variant of Uncertain Significance.

Genome Diagnostics Laboratory, The Hospital for Sick Children
Classification: Uncertain significance for Hereditary spastic paraplegia. Last evaluated: 2018-02-01. Review status: criteria provided, single submitter. Criteria: ACMG Guidelines, 2015. Collection method: clinical testing. Allele origin: germline. Affected: yes.